The following is an entry in ClinVar:

NM_014370.4(SRPK3):c.1605C>T (p.Ala535=)

Gene: SRPK3 (SRSF protein kinase 3; plus strand). Cytogenetic location: Xq28.
Variant type: single nucleotide variant.
Coding change: c.1605C>T on transcript NM_014370.4 (MANE Select); coding-DNA position 1605, C replaced by T.
Protein change: p.Ala535=; no amino-acid change (alanine 535 retained).
Molecular consequence: synonymous variant.
Genome position (GRCh38, 1-based): chrX:153,785,421, C>T. VCF-style: chrX-153785421-C-T. GRCh37 (hg19) VCF-style: chrX-153050876-C-T.
Other names: c.1602C>T, p.Ala534= (NM_001170760.2); c.1503C>T, p.Ala501= (NM_001170761.2).
Identifiers: ClinVar variation 2661731 (VCV002661731.24), dbSNP rs150987324, ClinGen allele CA10552723.
Genomic context (GRCh38, chrX:153,785,421, plus strand): 5'-CAAGCACTGGGGCCTGTACGAGGTACTCATGGAAAAGTACGAGTGGCCCCTAGAGCAGGC[C>T]ACACAGTTCAGCGCCTTTCTGCTGCCCATGATGGAGTACATCCCCGAAAAGCGGGCCAGT-3'
Protein context (NP_055185.2, residues 525-545): MEKYEWPLEQ[Ala535=]TQFSAFLLPM

ClinVar aggregate classification (germline): Likely benign (1 of 4 stars; one submission).

Allele frequency attached by ClinVar (database versions not stated): ESP Exome Variant Server 0.00009; TOPMed 0.00012; gnomAD 0.00013; gnomAD exomes 0.00018; ExAC 0.00022.
gnomAD v4.1: 213 of 1,210,312 alleles (0.018%); highest among the groups gnomAD compares: Non-Finnish European, 0.022%; no homozygotes.

Submission:

CeGaT Center for Human Genetics Tuebingen
Classification: Likely benign. Last evaluated: 2022-09-01. Review status: criteria provided, single submitter. Criteria: CeGaT Center For Human Genetics Tuebingen Variant Classification Criteria Version 2. Collection method: clinical testing. Allele origin: germline. Affected: yes. Observed: 1 variant allele.
Comment: SRPK3: BP4, BP7